The following is an entry in ClinVar:

ClinVar aggregate classification (germline): Uncertain significance. Review status: criteria provided, multiple submitters, no conflicts (2 of 4 stars). 2 submissions from 2 submitters: Uncertain significance (2). Last evaluated 2026-09-01.

Conditions:
Dilated cardiomyopathy 1G (CMD1G). Identifiers: Orphanet 154, MedGen C1858763, MONDO:0011400, OMIM 604145.

gnomAD v4.1: 1 of 1,612,498 alleles (0.000062%); highest among the groups gnomAD compares: Middle Eastern, 0.017%; no homozygotes.

Submissions (2):

CeGaT Center for Human Genetics Tuebingen
Classification: Uncertain significance. Last evaluated: 2026-09-01. Review status: criteria provided, single submitter. Criteria: CeGaT Center For Human Genetics Tuebingen Variant Classification Criteria Version 2. Collection method: clinical testing. Allele origin: germline. Affected: yes. Observed: 1 variant allele.
Comment: TTN: PM2, PP3

3billion
Classification: Uncertain significance for Dilated cardiomyopathy 1G. Last evaluated: 2023-07-25. Review status: criteria provided, single submitter. Criteria: ACMG Guidelines, 2015. Collection method: clinical testing. Allele origin: germline. Affected: yes.
Comment: The variant is not observed in the gnomAD v2.1.1 dataset. Predicted Consequence/Location: Intron variant In silico tools predict the variant to alter splicing and produce an abnormal transcript (SpliceAI: 0.61). Therefore, this variant is classified as VUS according to the recommendation of ACMG/AMP guideline.

NM_001267550.2(TTN):c.41885-9C>G

Gene: TTN (titin; minus strand). Cytogenetic location: 2q31.2.
Variant type: single nucleotide variant.
Coding change: c.41885-9C>G on transcript NM_001267550.2 (MANE Select); 9 bases into the intron before coding-DNA position 41885, C replaced by G.
Molecular consequence: intron variant.
Genome position (GRCh38, 1-based): chr2:178,635,313, G>C on the plus strand (C>G on the coding strand, the complement: TTN is on the minus strand). VCF-style: chr2-178635313-G-C. GRCh37 (hg19) VCF-style: chr2-179500040-G-C.
Other names: c.14690-9C>G (NM_003319.4); c.15266-9C>G (NM_133437.4); c.15065-9C>G (NM_133432.3); c.34181-9C>G (NM_133378.4); c.36962-9C>G (NM_001256850.1).
Identifiers: ClinVar variation 3775751 (VCV003775751.2).
Genomic context (GRCh38, chr2:178,635,313, plus strand): 5'-TTCTCATAAATGGTAACGTCCTCTATTGGTTTAAGCAGTTCAACTTCACGCTCTGTATTG[G>C]TCAGGGATGAAGTAACATAATGCTTTAGACAACCCAACGATGCTTTGCTTTTATGTGTTT-3'